The following is an entry in ClinVar:

NM_004655.4(AXIN2):c.1143G>A (p.Leu381=)

Gene: AXIN2 (axin 2; minus strand). Cytogenetic location: 17q24.1.
Variant type: single nucleotide variant.
Coding change: c.1143G>A on transcript NM_004655.4 (MANE Select); coding-DNA position 1143, G replaced by A.
Protein change: p.Leu381=; no amino-acid change (leucine 381 retained).
Molecular consequence: synonymous variant.
Genome position (GRCh38, 1-based): chr17:65,538,260, C>T on the plus strand (G>A on the coding strand, the complement: AXIN2 is on the minus strand). VCF-style: chr17-65538260-C-T. GRCh37 (hg19) VCF-style: chr17-63534378-C-T.
Other names: c.1143G>A, p.Leu381= (NM_001363813.1).
Identifiers: ClinVar variation 3378992 (VCV003378992.1).

ClinVar aggregate classification (germline): Benign (1 of 4 stars; one submission).

Conditions:
Oligodontia-cancer predisposition syndrome. Also called: TOOTH AGENESIS-COLORECTAL CANCER SYNDROME. Identifiers: Orphanet 300576, MedGen C1837750, MONDO:0012075, OMIM 608615. Disease mechanism: loss of function.

Submission:

Myriad Genetics, Inc.
Classification: Benign for Oligodontia-cancer predisposition syndrome. Last evaluated: 2024-07-01. Review status: criteria provided, single submitter. Criteria: Myriad Autosomal Dominant, Autosomal Recessive and X-Linked Classification Criteria (2023). Collection method: clinical testing. Allele origin: unknown.
Comment: This variant is considered benign. This variant is a silent/synonymous amino acid change and it is not expected to impact splicing.